The following is an entry in ClinVar:

ClinVar aggregate classification (germline): Uncertain significance (1 of 4 stars; one submission).

Conditions:
Intellectual developmental disorder, autosomal dominant 46. Also called: Intellectual disability, autosomal dominant 46; MENTAL RETARDATION, AUTOSOMAL DOMINANT 46. Identifiers: MedGen C4539851, MONDO:0030911, OMIM 617601.

Submission:

Centre for Mendelian Genomics, University Medical Centre Ljubljana
Classification: Uncertain significance for Intellectual developmental disorder, autosomal dominant 46. Last evaluated: 2019-04-17. Review status: criteria provided, single submitter. Criteria: ACMG Guidelines, 2015. Collection method: clinical testing. Allele origin: unknown. Affected: yes.
Comment: This variant was classified as: Uncertain significance. The available evidence on this variant's pathogenicity is insufficient or conflicting. The following ACMG criteria were applied in classifying this variant: PM2,PP3.

NM_019842.4(KCNQ5):c.522G>C (p.Glu174Asp)

Gene: KCNQ5 (potassium voltage-gated channel subfamily Q member 5; plus strand). Cytogenetic location: 6q13.
Variant type: single nucleotide variant.
Coding change: c.522G>C on transcript NM_019842.4 (MANE Select); coding-DNA position 522, G replaced by C.
Protein change: p.Glu174Asp; replaces glutamic acid 174 with aspartic acid.
Molecular consequence: missense variant.
Genome position (GRCh38, 1-based): chr6:73,041,968, G>C. VCF-style: chr6-73041968-G-C. GRCh37 (hg19) VCF-style: chr6-73751691-G-C.
Other names: c.522G>C, p.Glu174Asp (NM_001160130.2, NM_001160132.2, NM_001160133.2 and 1 more transcripts); short protein forms E174D.
Identifiers: ClinVar variation 931402 (VCV000931402.3), dbSNP rs1771727703, ClinGen allele CA364825125.
Genomic context (GRCh38, chr6:73,041,968, plus strand): 5'-CTCTGATATGTCTTATCTGATATTTTAGGAGTTCGTGATGATTGTCGTCTTTGGTTTGGA[G>C]TTCATCATTCGAATCTGGTCTGCGGGTTGCTGTTGTCGATATAGAGGATGGCAAGGAAGA-3'
Protein context (NP_062816.2, residues 164-184): EFVMIVVFGL[Glu174Asp]FIIRIWSAGC